The following is an entry in ClinVar:

ClinVar aggregate classification (germline): Uncertain significance. Review status: criteria provided, multiple submitters, no conflicts (2 of 4 stars). 2 submissions from 2 submitters: Uncertain significance (2). Last evaluated 2026-01-08.

Conditions:
Autosomal dominant limb-girdle muscular dystrophy type 1G (LGMDD3). Also called: Limb-girdle muscular dystrophy, type 1G; MUSCULAR DYSTROPHY, LIMB-GIRDLE, AUTOSOMAL DOMINANT 3. Identifiers: Orphanet 55596, MedGen C1836765, MONDO:0012193, OMIM 609115.

Submissions (2):

Labcorp Genetics (formerly Invitae), Labcorp
Classification: Uncertain significance for Autosomal dominant limb-girdle muscular dystrophy type 1G. Last evaluated: 2026-01-08. Review status: criteria provided, single submitter. Criteria: Invitae Variant Classification Sherloc (09022015). Collection method: clinical testing. Allele origin: germline.
Comment: This sequence change replaces alanine, which is neutral and non-polar, with proline, which is neutral and non-polar, at codon 328 of the HNRNPDL protein (p.Ala328Pro). This variant is present in population databases (no rsID available, gnomAD 0.003%). This variant has not been reported in the literature in individuals affected with HNRNPDL-related conditions. ClinVar contains an entry for this variant (Variation ID: 3526090). An algorithm developed to predict the effect of missense changes on protein structure and function (PolyPhen-2) suggests that this variant is likely to be disruptive. In summary, the available evidence is currently insufficient to determine the role of this variant in disease. Therefore, it has been classified as a Variant of Uncertain Significance.

Ambry Genetics
Classification: Uncertain significance. Last evaluated: 2024-11-11. Review status: criteria provided, single submitter. Criteria: Ambry Variant Classification Scheme 2023. Collection method: clinical testing. Allele origin: germline.

NM_031372.4(HNRNPDL):c.982G>C (p.Ala328Pro)

Gene: HNRNPDL (heterogeneous nuclear ribonucleoprotein D like; minus strand). Cytogenetic location: 4q21.22.
Variant type: single nucleotide variant.
Coding change: c.982G>C on transcript NM_031372.4 (MANE Select); coding-DNA position 982, G replaced by C.
Protein change: p.Ala328Pro; replaces alanine 328 with proline.
Molecular consequence: missense variant. On other transcripts: non-coding transcript variant (1).
Genome position (GRCh38, 1-based): chr4:82,427,229, C>G on the plus strand (G>C on the coding strand, the complement: HNRNPDL is on the minus strand). VCF-style: chr4-82427229-C-G. GRCh37 (hg19) VCF-style: chr4-83348382-C-G.
Other names: c.982G>C, p.Ala328Pro (NM_001207000.1); short protein forms A328P.
Identifiers: ClinVar variation 3526090 (VCV003526090.2).